The following is an entry in ClinVar:

ClinVar aggregate classification (germline): Uncertain significance (1 of 4 stars; one submission).

Submission:

Institute for Clinical Genetics, University Hospital TU Dresden, University Hospital TU Dresden
Classification: Uncertain significance. Last evaluated: 2023-02-10. Review status: criteria provided, single submitter. Criteria: ACMG Guidelines, 2015. Collection method: clinical testing. Allele origin: germline.
Comment: PM2_SUP, BP4

NM_152641.4(ARID2):c.1487C>T (p.Ala496Val)

Gene: ARID2 (AT-rich interaction domain 2; plus strand). Cytogenetic location: 12q12.
Variant type: single nucleotide variant.
Coding change: c.1487C>T on transcript NM_152641.4 (MANE Select); coding-DNA position 1487, C replaced by T.
Protein change: p.Ala496Val; replaces alanine 496 with valine.
Molecular consequence: missense variant.
Genome position (GRCh38, 1-based): chr12:45,839,485, C>T. VCF-style: chr12-45839485-C-T. GRCh37 (hg19) VCF-style: chr12-46233268-C-T.
Other names: c.1487C>T, p.Ala496Val (NM_001347839.2); short protein forms A496V.
Identifiers: ClinVar variation 2576078 (VCV002576078.1), dbSNP rs2138137688, ClinGen allele CA384459766.